The following is an entry in ClinVar:

ClinVar aggregate classification (germline): Uncertain significance (1 of 4 stars; one submission).

Allele frequency attached by ClinVar (database versions not stated): gnomAD exomes below 0.00001.

Submission:

Labcorp Genetics (formerly Invitae), Labcorp
Classification: Uncertain significance. Last evaluated: 2021-08-31. Review status: criteria provided, single submitter. Criteria: Invitae Variant Classification Sherloc (09022015). Collection method: clinical testing. Allele origin: germline.
Comment: This variant is not present in population databases (ExAC no frequency). In summary, the available evidence is currently insufficient to determine the role of this variant in disease. Therefore, it has been classified as a Variant of Uncertain Significance. Algorithms developed to predict the effect of missense changes on protein structure and function are either unavailable or do not agree on the potential impact of this missense change (SIFT: "Not Available"; PolyPhen-2: "Benign"; Align-GVGD: "Not Available"). This variant has not been reported in the literature in individuals affected with BMP2-related conditions. This sequence change replaces valine with methionine at codon 228 of the BMP2 protein (p.Val228Met). The valine residue is highly conserved and there is a small physicochemical difference between valine and methionine.

NM_001200.4(BMP2):c.682G>A (p.Val228Met)

Gene: BMP2 (bone morphogenetic protein 2; plus strand). Cytogenetic location: 20p12.3.
Variant type: single nucleotide variant.
Coding change: c.682G>A on transcript NM_001200.4 (MANE Select); coding-DNA position 682, G replaced by A.
Protein change: p.Val228Met; replaces valine 228 with methionine.
Molecular consequence: missense variant.
Genome position (GRCh38, 1-based): chr20:6,778,580, G>A. VCF-style: chr20-6778580-G-A. GRCh37 (hg19) VCF-style: chr20-6759227-G-A.
Other names: short protein forms V228M.
Identifiers: ClinVar variation 1366164 (VCV001366164.6), dbSNP rs769264233, ClinGen allele CA408258871.
Genomic context (GRCh38, chr20:6,778,580, plus strand): 5'-GATGTCACCCCCGCTGTGATGCGGTGGACTGCACAGGGACACGCCAACCATGGATTCGTG[G>A]TGGAAGTGGCCCACTTGGAGGAGAAACAAGGTGTCTCCAAGAGACATGTTAGGATAAGCA-3'
Protein context (NP_001191.1, residues 218-238): AQGHANHGFV[Val228Met]EVAHLEEKQG